The following is an entry in ClinVar:

ClinVar aggregate classification (germline): Likely pathogenic (1 of 4 stars; one submission).

Conditions:
Dilated cardiomyopathy 1G (CMD1G). Identifiers: Orphanet 154, MedGen C1858763, MONDO:0011400, OMIM 604145.
Autosomal recessive limb-girdle muscular dystrophy type 2J (LGMDR10). Also called: Limb-girdle muscular dystrophy, type 2J; MUSCULAR DYSTROPHY, LIMB-GIRDLE, AUTOSOMAL RECESSIVE 10. Identifiers: Orphanet 140922, MedGen C1837342, MONDO:0012127, OMIM 608807.

Allele frequency attached by ClinVar (database versions not stated): TOPMed below 0.00001.

Submission:

Labcorp Genetics (formerly Invitae), Labcorp
Classification: Likely pathogenic for Dilated cardiomyopathy 1G; Autosomal recessive limb-girdle muscular dystrophy type 2J. Last evaluated: 2024-10-18. Review status: criteria provided, single submitter. Criteria: Invitae Variant Classification Sherloc (09022015). Collection method: clinical testing. Allele origin: germline.
Comment: This sequence change affects an acceptor splice site in intron 156 of the TTN gene. It is expected to disrupt RNA splicing and likely results in a truncated or disrupted TTN protein. This variant is not present in population databases (gnomAD no frequency). This variant has not been reported in the literature in individuals affected with TTN-related conditions. ClinVar contains an entry for this variant (Variation ID: 2112651). Algorithms developed to predict the effect of sequence changes on RNA splicing suggest that this variant may disrupt the consensus splice site. This variant is located in the I band of TTN (PMID: 25589632). Truncating variants in this region have been reported in individuals affected with autosomal recessive centronuclear myopathy (PMID: 23975875, internal data). Truncating variants in this region have also been identified in individuals affected with autosomal dominant dilated cardiomyopathy and/or cardio-related conditions (PMID: 27869827, 32964742, internal data). In summary, the currently available evidence indicates that the variant is pathogenic, but additional data are needed to prove that conclusively. Therefore, this variant has been classified as Likely Pathogenic.

Literature cited by the submitters: PubMed 25589632; PubMed 23975875; PubMed 27869827; PubMed 32964742.

NM_001267550.2(TTN):c.35309-1G>A

Gene: TTN (titin; minus strand). Cytogenetic location: 2q31.2.
Variant type: single nucleotide variant.
Coding change: c.35309-1G>A on transcript NM_001267550.2 (MANE Select); the canonical splice acceptor site of the intron before coding-DNA position 35309, G replaced by A.
Molecular consequence: splice acceptor variant. On other transcripts: intron variant (3).
Genome position (GRCh38, 1-based): chr2:178,670,296, C>T on the plus strand (G>A on the coding strand, the complement: TTN is on the minus strand). VCF-style: chr2-178670296-C-T. GRCh37 (hg19) VCF-style: chr2-179535023-C-T.
Other names: c.13283-27979G>A (NM_003319.4); c.13859-27979G>A (NM_133437.4); c.13658-27979G>A (NM_133432.3); c.31406-1G>A (NM_133378.4); c.34187-1G>A (NM_001256850.1).
Identifiers: ClinVar variation 2112651 (VCV002112651.4), dbSNP rs1239116046, ClinGen allele CA349513968.